The following is an entry in ClinVar:

ClinVar aggregate classification (germline): Pathogenic. Review status: reviewed by expert panel (3 of 4 stars). 12 submissions from 10 submitters: Pathogenic (1). 11 of the submissions do not count toward it. Last evaluated 2025-12-05.

Conditions:
ABCA4-related retinopathy. Also called: ABCA4-related retinoapthy; ABCA4 retinoapthy. Identifiers: MedGen CN322612, MONDO:0800406.
ABCA4-related disorder. Also called: ABCA4-related disorders; ABCA4-related condition. Identifiers: MedGen CN239167.
Retinal dystrophy. Also called: Inherited retinal dystrophy. Identifiers: Orphanet 71862, MedGen C0854723, MeSH D058499, MONDO:0019118, HP:0000556.
Age related macular degeneration 2. Also called: MACULAR DEGENERATION, SENILE; MACULOPATHY, AGE-RELATED, 2; MACULOPATHY, AGE-RELATED. Identifiers: MedGen C3495438, MONDO:0007932, OMIM 153800.
Severe early-childhood-onset retinal dystrophy (STGD1). Also called: MACULAR DYSTROPHY WITH FLECKS, TYPE 1; STGD; Stargardt macular dystrophy; Juvenile onset macular degeneration; Stargardt disease 1. Identifiers: Orphanet 364055, Orphanet 827, MedGen C1855465, MeSH D000080362, MONDO:0009549, OMIM 248200.
Retinitis pigmentosa 19 (RP19). Also called: ABCA4-Related Retinitis Pigmentosa. Identifiers: Orphanet 791, MedGen C1866422, MONDO:0011137, OMIM 601718.
Cone-rod dystrophy 3 (CORD3). Identifiers: Orphanet 1872, MedGen C1858806, MONDO:0011395, OMIM 604116.
Retinitis pigmentosa (RP). Identifiers: Orphanet 791, MedGen C0035334, MeSH D012174, MONDO:0019200, OMIM 268000. Inheritance: Autosomal dominant, autosomal recessive and X linked inheritance.
Abnormal retinal morphology. Identifiers: MedGen C0035300, HP:0000479.
Abnormal macular morphology. Identifiers: MedGen C4520679, HP:0001103.
Peripheral neuropathy. Also called: Neuropathy. Identifiers: MedGen C0031117, MONDO:0005244, HP:0009830.

Allele frequency attached by ClinVar (database versions not stated): gnomAD 0.00001; gnomAD exomes 0.00001; ExAC 0.00002.
gnomAD v4.1: 9 of 1,614,086 alleles (0.00056%); highest among the groups gnomAD compares: South Asian, 0.0022%; no homozygotes.

Submissions (12):

ClinGen ABCA4 Variant Curation Expert Panel, Clingen
Classification: Pathogenic for ABCA4-related retinopathy. Last evaluated: 2025-12-05. Review status: reviewed by expert panel. Criteria: ClinGen ABCA4 ACMG Specifications V1.0.0. Collection method: curation. Allele origin: germline. Inheritance: Autosomal recessive inheritance.
Comment: The NM_000350.3(ABCA4):c.203C>T variant in ABCA4 is a missense variant predicted to cause substitution of proline by leucine at amino acid 68 (p.Pro68Leu). The total minor allele frequency in gnomAD v4.1.0 is 0.000005576 (9/1614086 alleles), which is lower than the ClinGen ABCA4 VCEP’s threshold for PM2_Supporting (<0.0001), meeting this criterion (PM2_Supporting). The computational predictor REVEL gives a score of 0.954 which is above the threshold of >0.772, evidence that predicts a damaging effect on ABCA4 function (PP3_Moderate). The prevalence of the variant in affected individuals is significantly increased compared with the prevalence in controls with an OR is 83.3 and the CI is 10.72-3671.60, which is above the ABCA4 VCEP threshold of ≥5, where the CI does not contain 1 (PS4; PMID: 35120629). At least one proband meet phenotypic criteria for an ABCA4-related retinopathy (PP4, PMID: 24713488). This variant has been detected in at least 3 individuals with ABCA4-related retinopathy with one of those individuals being a compound heterozygote for the variant and a pathogenic variant, c.5882 G>A; p.Gly1961Glu, which was confirmed in trans by parental testing (PM3; PMID: 26377081). In summary, this variant meets the criteria to be classified as pathogenic for ABCA4-related retinopathy based on the ACMG/AMP criteria applied, as specified by the ClinGen ABCA4 VCEP (Specification Version 1.0): PS4, PP4, PM3, PM2_Supporting, PP3_Moderate.

Fulgent Genetics
Classification: Pathogenic for Age related macular degeneration 2; Severe early-childhood-onset retinal dystrophy; Retinitis pigmentosa 19; Cone-rod dystrophy 3. Last evaluated: 2024-05-01. Review status: criteria provided, single submitter. Criteria: ACMG Guidelines, 2015. Collection method: clinical testing. Allele origin: germline. Not counted in ClinVar's aggregate classification.

Women's Health and Genetics/Laboratory Corporation of America, LabCorp
Classification: Pathogenic for Retinitis pigmentosa. Last evaluated: 2024-04-30. Review status: criteria provided, single submitter. Criteria: LabCorp Variant Classification Summary - May 2015. Collection method: clinical testing. Allele origin: germline. Not counted in ClinVar's aggregate classification.
Comment: Variant summary: ABCA4 c.203C>T (p.Pro68Leu) results in a non-conservative amino acid change in the encoded protein sequence. Five of five in-silico tools predict a damaging effect of the variant on protein function. The variant allele was found at a frequency of 8e-06 in 251400 control chromosomes. c.203C>T has been reported in the literature in multiple compound heterozygous individuals affected with Stargardt disease, choriocapillaris dystrophy, or other inherited retinal degeneration disorder (e.g. Reinhard_2007, Rivera_2000, Bertelsen_2014, Gatticchi_2021, Zhu_2021). These data indicate that the variant is very likely to be associated with disease. To our knowledge, no experimental evidence demonstrating an impact on protein function has been reported. The following publications have been ascertained in the context of this evaluation (PMID: 24713488, 33724725, 17562343, 10958763, 33732702). ClinVar contains an entry for this variant (Variation ID: 99113). Based on the evidence outlined above, the variant was classified as pathogenic.

Labcorp Genetics (formerly Invitae), Labcorp
Classification: Pathogenic. Last evaluated: 2024-04-17. Review status: criteria provided, single submitter. Criteria: Invitae Variant Classification Sherloc (09022015). Collection method: clinical testing. Allele origin: germline. Not counted in ClinVar's aggregate classification.
Comment: This sequence change replaces proline, which is neutral and non-polar, with leucine, which is neutral and non-polar, at codon 68 of the ABCA4 protein (p.Pro68Leu). The frequency data for this variant in the population databases is considered unreliable, as metrics indicate poor data quality at this position in the gnomAD database. This missense change has been observed in individuals with ABCA4-related conditions (PMID: 10958763, 19265867, 27939946). ClinVar contains an entry for this variant (Variation ID: 99113). Advanced modeling of protein sequence and biophysical properties (such as structural, functional, and spatial information, amino acid conservation, physicochemical variation, residue mobility, and thermodynamic stability) performed at Invitae indicates that this missense variant is expected to disrupt ABCA4 protein function with a positive predictive value of 95%. This variant disrupts the p.Pro68 amino acid residue in ABCA4. Other variant(s) that disrupt this residue have been determined to be pathogenic (PMID: 11726554, 22247458, 28118664). This suggests that this residue is clinically significant, and that variants that disrupt this residue are likely to be disease-causing. For these reasons, this variant has been classified as Pathogenic.

Blueprint Genetics
Classification: Pathogenic for ABCA4-related disorders. Last evaluated: 2024-04-02. Review status: criteria provided, single submitter. Criteria: ACMG Guidelines, 2015. Collection method: clinical testing. Allele origin: germline. Affected: yes. Observed: 5 variant alleles. Not counted in ClinVar's aggregate classification.

PreventionGenetics, part of Exact Sciences
Classification: Likely pathogenic for ABCA4-related condition. Last evaluated: 2023-08-14. Review status: criteria provided, single submitter. Criteria: ACMG Guidelines, 2015. Collection method: clinical testing. Allele origin: germline. Not counted in ClinVar's aggregate classification.
Comment: The ABCA4 c.203C>T variant is predicted to result in the amino acid substitution p.Pro68Leu. This variant has been reported in the compound heterozygous state in individuals with Stargardt disease (Rivera et al. 2000. PubMed ID: 10958763; Bertelsen et al. 2014. PubMed ID: 24713488; Family #1034 in Liu et al. 2020. PubMed ID: 32845068; Zhu et al. 2021. PubMed ID: 33732702). This variant is reported in 0.0040% of alleles in individuals of African descent in gnomAD. This variant has been classified as pathogenic and likely pathogenic in ClinVar. Given the evidence, we interpret c.203C>T (p.Pro68Leu) as likely pathogenic.

Institute of Human Genetics, Univ. Regensburg, Univ. Regensburg
Classification: Likely pathogenic for Retinal dystrophy. Last evaluated: 2021-01-01. Review status: criteria provided, single submitter. Criteria: ACMG Guidelines, 2015. Collection method: clinical testing. Allele origin: germline. Affected: yes. Not counted in ClinVar's aggregate classification.

Centre for Mendelian Genomics, University Medical Centre Ljubljana
Classification: Likely pathogenic for Abnormal retinal morphology. Last evaluated: 2017-01-01. Review status: criteria provided, single submitter. Criteria: ACMG Guidelines, 2015. Collection method: clinical testing. Allele origin: unknown. Affected: yes. Not counted in ClinVar's aggregate classification.

Centre for Mendelian Genomics, University Medical Centre Ljubljana
Classification: Likely pathogenic for Age related macular degeneration 2. Last evaluated: 2016-01-01. Review status: criteria provided, single submitter. Criteria: ACMG Guidelines, 2015. Collection method: clinical testing. Allele origin: unknown. Affected: yes. Not counted in ClinVar's aggregate classification.
Comment: This variant was classified as: Likely pathogenic. The following ACMG criteria were applied in classifying this variant: PM2,PM3,PP3,PP4,PP5.

Juno Genomics, Hangzhou Juno Genomics, Inc
Classification: Pathogenic for Retinitis pigmentosa 19; Severe early-childhood-onset retinal dystrophy; Age related macular degeneration 2; Cone-rod dystrophy 3. Review status: criteria provided, single submitter. Criteria: ACMG Guidelines, 2015. Collection method: clinical testing. Allele origin: germline. Not counted in ClinVar's aggregate classification.
Comment: Absent from controls (or at extremely low frequency if recessive) in Genome Aggregation Database.;Multiple lines of computational evidence support a deleterious effect on the gene or gene product.;For recessive disorders, detected in trans with a pathogenic variant.;Patient's phenotype or family history is highly specific for a disease with a single genetic etiology.;The prevalence of the variant in affected individuals is significantly increased compared to the prevalence in controls.

Retina International
No classification provided. Review status: no classification provided. Collection method: not provided. Allele origin: not provided. Not counted in ClinVar's aggregate classification.

Centre for Mendelian Genomics, University Medical Centre Ljubljana
Classification: Uncertain significance for Abnormal macular morphology; Peripheral neuropathy. Last evaluated: 2013-11-28. Review status: flagged submission. Criteria: ACMG Guidelines, 2015. Collection method: clinical testing. Allele origin: unknown. Affected: yes. Not counted in ClinVar's aggregate classification.
ClinVar note: Reason: New submission from submitter that appears to have been intended to update this older submission

Literature cited by the submitters: PubMed 24713488 (cited by Women's Health and Genetics/Laboratory Corporation of America, LabCorp and Institute of Human Genetics, Univ. Regensburg, Univ. Regensburg); PubMed 17562343 (cited by Women's Health and Genetics/Laboratory Corporation of America, LabCorp); PubMed 10958763 (cited by 3 submitters); PubMed 33732702 (cited by Women's Health and Genetics/Laboratory Corporation of America, LabCorp and Institute of Human Genetics, Univ. Regensburg, Univ. Regensburg); PubMed 33724725 (cited by Women's Health and Genetics/Laboratory Corporation of America, LabCorp and Institute of Human Genetics, Univ. Regensburg, Univ. Regensburg); PubMed 19265867 (cited by Labcorp Genetics (formerly Invitae), Labcorp); PubMed 27939946 (cited by Labcorp Genetics (formerly Invitae), Labcorp); PubMed 11726554 (cited by Labcorp Genetics (formerly Invitae), Labcorp); PubMed 22247458 (cited by Labcorp Genetics (formerly Invitae), Labcorp); PubMed 28118664 (cited by Labcorp Genetics (formerly Invitae), Labcorp); PubMed 32845068 (cited by Institute of Human Genetics, Univ. Regensburg, Univ. Regensburg); PubMed 36460718 (cited by Institute of Human Genetics, Univ. Regensburg, Univ. Regensburg).

NM_000350.3(ABCA4):c.203C>T (p.Pro68Leu)

Gene: ABCA4 (ATP binding cassette subfamily A member 4; minus strand). Cytogenetic location: 1p22.1.
Variant type: single nucleotide variant.
Coding change: c.203C>T on transcript NM_000350.3 (MANE Select); coding-DNA position 203, C replaced by T.
Protein change: p.Pro68Leu; replaces proline 68 with leucine.
Molecular consequence: missense variant.
Genome position (GRCh38, 1-based): chr1:94,111,537, G>A on the plus strand (C>T on the coding strand, the complement: ABCA4 is on the minus strand). VCF-style: chr1-94111537-G-A. GRCh37 (hg19) VCF-style: chr1-94577093-G-A.
Other names: NM_000350.3(ABCA4):c.203C>T; c.203C>T, p.Pro68Leu (NM_001425324.1); short protein forms P68L.
Identifiers: ClinVar variation 99113 (VCV000099113.20), dbSNP rs62654397, ClinGen allele CA226972.
Genomic context (GRCh38, chr1:94,111,537, plus strand): 5'-CCTGGGGTGGGGCTTTGAAAACAGGGATTGTTCACATTGCAGAAGATCCCCTGGAGCCAC[G>A]GCAGCATTCCTGCTGAGGGCATCGCCTTGTTGGGGAAATGGCCTTTAAAACAGAAAATGA-3'
Protein context (NP_000341.2, residues 58-78): NKAMPSAGML[Pro68Leu]WLQGIFCNVN